The following is an entry in ClinVar:

ClinVar aggregate classification (germline): Uncertain significance (1 of 4 stars; one submission).

gnomAD v4.1: 6 of 1,613,046 alleles (0.00037%); highest among the groups gnomAD compares: South Asian, 0.0055%; no homozygotes.

Submission:

Labcorp Genetics (formerly Invitae), Labcorp
Classification: Uncertain significance. Last evaluated: 2025-10-08. Review status: criteria provided, single submitter. Criteria: Invitae Variant Classification Sherloc (09022015). Collection method: clinical testing. Allele origin: germline.
Comment: This sequence change replaces proline, which is neutral and non-polar, with serine, which is neutral and polar, at codon 63 of the CFB protein (p.Pro63Ser). This variant is present in population databases (rs560218488, gnomAD 0.01%). This variant has not been reported in the literature in individuals affected with CFB-related conditions. Invitae Evidence Modeling of protein sequence and biophysical properties (such as structural, functional, and spatial information, amino acid conservation, physicochemical variation, residue mobility, and thermodynamic stability) has been performed for this missense variant. However, the output from this modeling did not meet the statistical confidence thresholds required to predict the impact of this variant on CFB protein function. In summary, the available evidence is currently insufficient to determine the role of this variant in disease. Therefore, it has been classified as a Variant of Uncertain Significance.

NM_001710.6(CFB):c.187C>T (p.Pro63Ser)

Gene: CFB (complement factor B; plus strand). Cytogenetic location: 6p21.33.
Variant type: single nucleotide variant.
Coding change: c.187C>T on transcript NM_001710.6 (MANE Select); coding-DNA position 187, C replaced by T.
Protein change: p.Pro63Ser; replaces proline 63 with serine.
Molecular consequence: missense variant.
Genome position (GRCh38, 1-based): chr6:31,946,495, C>T. VCF-style: chr6-31946495-C-T. GRCh37 (hg19) VCF-style: chr6-31914272-C-T.
Other names: short protein forms P63S.
Identifiers: ClinVar variation 4759640 (VCV004759640.1).